The following is an entry in ClinVar:

ClinVar aggregate classification (germline): Benign/Likely benign. Review status: criteria provided, multiple submitters, no conflicts (2 of 4 stars). 3 submissions from 3 submitters: Benign (1); Likely benign (1). 1 of the submissions does not count toward it. Last evaluated 2025-09-13.

Conditions:
FREM1-related disorder. Also called: FREM1-Related Disorders; FREM1-related condition.

Allele frequency attached by ClinVar (database versions not stated): 1000 Genomes Project 30x 0.00156; 1000 Genomes Project 0.00160.
gnomAD v4.1: 574 of 1,613,848 alleles (0.036%); highest among the groups gnomAD compares: South Asian, 0.6%; 8 homozygotes.

Submissions (3):

Labcorp Genetics (formerly Invitae), Labcorp
Classification: Benign. Last evaluated: 2025-09-13. Review status: criteria provided, single submitter. Criteria: Invitae Variant Classification Sherloc (09022015). Collection method: clinical testing. Allele origin: germline.

CeGaT Center for Human Genetics Tuebingen
Classification: Likely benign. Last evaluated: 2025-03-01. Review status: criteria provided, single submitter. Criteria: CeGaT Center For Human Genetics Tuebingen Variant Classification Criteria Version 2. Collection method: clinical testing. Allele origin: germline. Affected: yes. Observed: 1 variant allele.
Comment: FREM1: BP4, BP7

PreventionGenetics, part of Exact Sciences
Classification: Likely benign for FREM1-related condition. Last evaluated: 2024-01-02. Review status: no assertion criteria provided. Collection method: clinical testing. Allele origin: germline. Not counted in ClinVar's aggregate classification.
Comment: This variant is classified as likely benign based on ACMG/AMP sequence variant interpretation guidelines (Richards et al. 2015 PMID: 25741868, with internal and published modifications).

NM_001379081.2(FREM1):c.459G>T (p.Ala153=)

Gene: FREM1 (FRAS1 related extracellular matrix 1; minus strand). Cytogenetic location: 9p22.3.
Variant type: single nucleotide variant.
Coding change: c.459G>T on transcript NM_001379081.2 (MANE Select); coding-DNA position 459, G replaced by T.
Protein change: p.Ala153=; no amino-acid change (alanine 153 retained).
Molecular consequence: synonymous variant. On other transcripts: non-coding transcript variant (4).
Genome position (GRCh38, 1-based): chr9:14,859,355, C>A on the plus strand (G>T on the coding strand, the complement: FREM1 is on the minus strand). VCF-style: chr9-14859355-C-A. GRCh37 (hg19) VCF-style: chr9-14859353-C-A.
Other names: c.459G>T, p.Ala153= (NM_001370060.1, NM_001370063.1, NM_001370065.1 and 1 more transcripts); c.459G>T (NM_144966.5).
Identifiers: ClinVar variation 2080859 (VCV002080859.13), dbSNP rs562673690, ClinGen allele CA4991570.